The following is an entry in ClinVar:

NM_001252024.2(TRPM1):c.494-3C>G

Gene: TRPM1 (transient receptor potential cation channel subfamily M member 1; minus strand). Cytogenetic location: 15q13.3.
Variant type: single nucleotide variant.
Coding change: c.494-3C>G on transcript NM_001252024.2 (MANE Select); 3 bases into the intron before coding-DNA position 494, C replaced by G.
Molecular consequence: intron variant.
Genome position (GRCh38, 1-based): chr15:31,067,190, G>C on the plus strand (C>G on the coding strand, the complement: TRPM1 is on the minus strand). VCF-style: chr15-31067190-G-C. GRCh37 (hg19) VCF-style: chr15-31359393-G-C.
Other names: c.545-3C>G (NM_001252020.2); c.428-3C>G (NM_002420.6).
Identifiers: ClinVar variation 1407906 (VCV001407906.8), dbSNP rs764068013, ClinGen allele CA7452925.

ClinVar aggregate classification (germline): Likely pathogenic (1 of 4 stars; one submission).

Allele frequency attached by ClinVar (database versions not stated): ExAC 0.00001; gnomAD exomes 0.00001.
gnomAD v4.1: 4 of 1,614,148 alleles (0.00025%); highest among the groups gnomAD compares: Non-Finnish European, 0.00025%; no homozygotes.

Submission:

Labcorp Genetics (formerly Invitae), Labcorp
Classification: Likely pathogenic. Last evaluated: 2025-08-21. Review status: criteria provided, single submitter. Criteria: Invitae Variant Classification Sherloc (09022015). Collection method: clinical testing. Allele origin: germline.
Comment: This sequence change falls in intron 4 of the TRPM1 gene. It does not directly change the encoded amino acid sequence of the TRPM1 protein. It affects a nucleotide within the consensus splice site. This variant is present in population databases (rs764068013, gnomAD 0.003%). This variant has been observed in individual(s) with autosomal recessive congenital stationary night blindness (PMID: 19896113, 36226416). In at least one individual the data is consistent with being in trans (on the opposite chromosome) from a pathogenic variant. ClinVar contains an entry for this variant (Variation ID: 1407906). Variants that disrupt the consensus splice site are a relatively common cause of aberrant splicing (PMID: 17576681, 9536098). Algorithms developed to predict the effect of sequence changes on RNA splicing suggest that this variant may disrupt the consensus splice site. In summary, the currently available evidence indicates that the variant is pathogenic, but additional data are needed to prove that conclusively. Therefore, this variant has been classified as Likely Pathogenic.

Literature cited by the submitters: PubMed 19896113; PubMed 36226416; PubMed 17576681; PubMed 9536098.